The following is an entry in ClinVar:

ClinVar aggregate classification (germline): Uncertain significance. Review status: criteria provided, multiple submitters, no conflicts (2 of 4 stars). 2 submissions from 2 submitters: Uncertain significance (2). Last evaluated 2023-10-04.

Conditions:
Hereditary cancer-predisposing syndrome. Also called: Neoplastic Syndromes, Hereditary; Tumor predisposition; Hereditary Cancer Syndrome; Hereditary neoplastic syndrome. Identifiers: Orphanet 140162, MedGen C0027672, MeSH D009386, MONDO:0015356.

Submissions (2):

Labcorp Genetics (formerly Invitae), Labcorp
Classification: Uncertain significance. Last evaluated: 2023-10-04. Review status: criteria provided, single submitter. Criteria: Invitae Variant Classification Sherloc (09022015). Collection method: clinical testing. Allele origin: germline.
Comment: This sequence change replaces valine, which is neutral and non-polar, with leucine, which is neutral and non-polar, at codon 597 of the MSH3 protein (p.Val597Leu). This variant is not present in population databases (gnomAD no frequency). This variant has not been reported in the literature in individuals affected with MSH3-related conditions. ClinVar contains an entry for this variant (Variation ID: 1780156). An algorithm developed to predict the effect of missense changes on protein structure and function (PolyPhen-2) suggests that this variant is likely to be disruptive. In summary, the available evidence is currently insufficient to determine the role of this variant in disease. Therefore, it has been classified as a Variant of Uncertain Significance.

Ambry Genetics
Classification: Uncertain significance for Hereditary cancer-predisposing syndrome. Last evaluated: 2019-11-27. Review status: criteria provided, single submitter. Criteria: Ambry Variant Classification Scheme 2023. Collection method: clinical testing. Allele origin: germline.
Comment: The p.V597L variant (also known as c.1789G>C), located in coding exon 13 of the MSH3 gene, results from a G to C substitution at nucleotide position 1789. The valine at codon 597 is replaced by leucine, an amino acid with highly similar properties. This amino acid position is well conserved in available vertebrate species. In addition, this alteration is predicted to be deleterious by in silico analysis. Since supporting evidence is limited at this time, the clinical significance of this alteration remains unclear.

NM_002439.5(MSH3):c.1789G>C (p.Val597Leu)

Gene: MSH3 (mutS homolog 3; plus strand). Cytogenetic location: 5q14.1.
Variant type: single nucleotide variant.
Coding change: c.1789G>C on transcript NM_002439.5 (MANE Select); coding-DNA position 1789, G replaced by C.
Protein change: p.Val597Leu; replaces valine 597 with leucine.
Molecular consequence: missense variant.
Genome position (GRCh38, 1-based): chr5:80,761,571, G>C. VCF-style: chr5-80761571-G-C. GRCh37 (hg19) VCF-style: chr5-80057390-G-C.
Other names: short protein forms V597L.
Identifiers: ClinVar variation 1780156 (VCV001780156.5), dbSNP rs1580027442, ClinGen allele CA360276518.